The following is an entry in ClinVar:

ClinVar aggregate classification (germline): Pathogenic/Likely pathogenic. Review status: criteria provided, multiple submitters, no conflicts (2 of 4 stars). 2 submissions from 2 submitters: Pathogenic (1); Likely pathogenic (1). Last evaluated 2024-09-27.

Conditions:
Pyknodysostosis. Also called: Pycnodysostosis. Identifiers: Orphanet 763, MedGen C0238402, MONDO:0009940, OMIM 265800.

Submissions (2):

Natera, Inc.
Classification: Likely pathogenic for Pyknodysostosis. Last evaluated: 2024-09-27. Review status: criteria provided, single submitter. Criteria: Natera Variant Classification Schema (03/2026). Collection method: clinical testing. Allele origin: germline.
Comment: The c.457A>T variant in CTSK is a nonsense variant predicted to introduce a stop codon at amino acid 153. This variant is expected to result in nonsense mediated decay, truncation, or a dysfunctional protein product. This variant is rare in the general population with a frequency below the threshold expected for the associated phenotype(s). Given the available evidence, this variant is classified as Likely Pathogenic.

Labcorp Genetics (formerly Invitae), Labcorp
Classification: Pathogenic. Last evaluated: 2022-08-12. Review status: criteria provided, single submitter. Criteria: Invitae Variant Classification Sherloc (09022015). Collection method: clinical testing. Allele origin: germline.
Comment: This sequence change creates a premature translational stop signal (p.Lys153*) in the CTSK gene. It is expected to result in an absent or disrupted protein product. Loss-of-function variants in CTSK are known to be pathogenic (PMID: 12125807, 21569238). This variant is not present in population databases (gnomAD no frequency). This variant has not been reported in the literature in individuals affected with CTSK-related conditions. For these reasons, this variant has been classified as Pathogenic.

Literature cited by the submitters: PubMed 12125807 (cited by Labcorp Genetics (formerly Invitae), Labcorp); PubMed 21569238 (cited by Labcorp Genetics (formerly Invitae), Labcorp).

NM_000396.4(CTSK):c.457A>T (p.Lys153Ter)

Gene: CTSK (cathepsin K; minus strand). Cytogenetic location: 1q21.3.
Variant type: single nucleotide variant.
Coding change: c.457A>T on transcript NM_000396.4 (MANE Select); coding-DNA position 457, A replaced by T.
Protein change: p.Lys153Ter; replaces lysine 153 with a stop codon.
Molecular consequence: nonsense.
Genome position (GRCh38, 1-based): chr1:150,804,182, T>A on the plus strand (A>T on the coding strand, the complement: CTSK is on the minus strand). VCF-style: chr1-150804182-T-A. GRCh37 (hg19) VCF-style: chr1-150776658-T-A.
Other names: c.457A>T (NM_000396.3); short protein forms K153*.
Identifiers: ClinVar variation 1949482 (VCV001949482.6), dbSNP rs2525173966, ClinGen allele CA342336677.
Genomic context (GRCh38, chr1:150,804,182, plus strand): 5'-CAGACACACAATCCACTAGGTTCTGGGGACTCAGATTTAAGAGTTTGCCAGTTTTCTTCT[T>A]GAGTTGGCCCTCCAGGGCACCCACAGAGCTAAAAGCCCAACAGGAACCACACTGACCCTG-3'